The following is an entry in ClinVar:

ClinVar aggregate classification (germline): Uncertain significance. Review status: criteria provided, multiple submitters, no conflicts (2 of 4 stars). 2 submissions from 2 submitters: Uncertain significance (2). Last evaluated 2025-12-15.

Conditions:
Cardiovascular phenotype. Identifiers: MedGen CN230736.
Brugada syndrome. Also called: Sudden Unexplained Death Syndrome; Sudden Unexplained Nocturnal Death Syndrome (SUNDS); Sudden unexplained nocturnal death syndrome; Sudden unexpected nocturnal death syndrome. Identifiers: Orphanet 130, MedGen C1142166, MONDO:0015263.

Allele frequency attached by ClinVar (database versions not stated): gnomAD exomes below 0.00001; TOPMed below 0.00001; ExAC 0.00001; gnomAD 0.00001.

Submissions (2):

Labcorp Genetics (formerly Invitae), Labcorp
Classification: Uncertain significance for Brugada syndrome. Last evaluated: 2025-12-15. Review status: criteria provided, single submitter. Criteria: Invitae Variant Classification Sherloc (09022015). Collection method: clinical testing. Allele origin: germline.
Comment: This sequence change replaces arginine, which is basic and polar, with histidine, which is basic and polar, at codon 15 of the SCN10A protein (p.Arg15His). This variant is present in population databases (rs763455818, gnomAD 0.003%). This variant has not been reported in the literature in individuals affected with SCN10A-related conditions. ClinVar contains an entry for this variant (Variation ID: 1741032). Invitae Evidence Modeling of protein sequence and biophysical properties (such as structural, functional, and spatial information, amino acid conservation, physicochemical variation, residue mobility, and thermodynamic stability) indicates that this missense variant is not expected to disrupt SCN10A protein function with a negative predictive value of 80%. In summary, the available evidence is currently insufficient to determine the role of this variant in disease. Therefore, it has been classified as a Variant of Uncertain Significance.

Ambry Genetics
Classification: Uncertain significance for Cardiovascular phenotype. Last evaluated: 2023-07-23. Review status: criteria provided, single submitter. Criteria: Ambry Variant Classification Scheme 2023. Collection method: clinical testing. Allele origin: germline.
Comment: The p.R15H variant (also known as c.44G>A), located in coding exon 1 of the SCN10A gene, results from a G to A substitution at nucleotide position 44. The arginine at codon 15 is replaced by histidine, an amino acid with highly similar properties. This amino acid position is not well conserved in available vertebrate species. In addition, the in silico prediction for this alteration is inconclusive. Since supporting evidence is limited at this time, the clinical significance of this alteration remains unclear.

NM_006514.4(SCN10A):c.44G>A (p.Arg15His)

Gene: SCN10A (sodium voltage-gated channel alpha subunit 10; minus strand). Cytogenetic location: 3p22.2.
Variant type: single nucleotide variant.
Coding change: c.44G>A on transcript NM_006514.4 (MANE Select); coding-DNA position 44, G replaced by A.
Protein change: p.Arg15His; replaces arginine 15 with histidine.
Molecular consequence: missense variant.
Genome position (GRCh38, 1-based): chr3:38,793,967, C>T on the plus strand (G>A on the coding strand, the complement: SCN10A is on the minus strand). VCF-style: chr3-38793967-C-T. GRCh37 (hg19) VCF-style: chr3-38835458-C-T.
Other names: c.44G>A, p.Arg15His (NM_001293306.2, NM_001293307.2); short protein forms R15H.
Identifiers: ClinVar variation 1741032 (VCV001741032.4), dbSNP rs763455818, ClinGen allele CA2321313.